The following is an entry in ClinVar:

ClinVar aggregate classification (germline): Likely pathogenic (1 of 4 stars; one submission).

Conditions:
Abetalipoproteinaemia (ABL). Also called: MTP DEFICIENCY; Abetalipoproteinemia; Abetalipoproteinemia neuropathy; Apolipoprotein B deficiency; Congenital betalipoprotein deficiency syndrome. Identifiers: Orphanet 14, MedGen C0000744, MONDO:0008692, OMIM 200100, HP:0008181.

Submission:

Natera, Inc.
Classification: Likely pathogenic for Abetalipoproteinemia. Last evaluated: 2025-04-01. Review status: criteria provided, single submitter. Criteria: Natera Variant Classification Schema (03/2026). Collection method: clinical testing. Allele origin: germline.
Comment: The c.2269_2271delinsTT variant in MTTP is a frameshift variant predicted to shift the reading frame beginning at codon 758 and leads to a stop codon 21 codons downstream. This variant is expected to result in nonsense mediated decay, truncation, or a dysfunctional protein product. This variant is rare in the general population with a frequency below the threshold expected for the associated phenotype(s). Given the available evidence, this variant is classified as Likely Pathogenic.

NM_001386140.1(MTTP):c.2269_2271delinsTT (p.Ala758fs)

Gene: MTTP (microsomal triglyceride transfer protein; plus strand). Cytogenetic location: 4q23.
Variant type: Indel.
Coding change: c.2269_2271delinsTT on transcript NM_001386140.1 (MANE Select); coding-DNA positions 2269 to 2271, CTA replaced by TT.
Protein change: p.Ala758fs; shifts the reading frame from alanine 758.
Molecular consequence: frameshift variant.
Genome position (GRCh38, 1-based): chr4:99,619,025-99,619,027, CTA replaced by TT. VCF-style: chr4-99619025-CTA-TT. GRCh37 (hg19) VCF-style: chr4-100540182-CTA-TT.
Other names: c.2269_2271delinsTT, p.Ala758fs (NM_000253.4); c.2020_2022delinsTT, p.Ala675fs (NM_001300785.2); short protein forms A675fs, A758fs.
Identifiers: ClinVar variation 4817989 (VCV004817989.1).
Genomic context (GRCh38, chr4:99,619,025, plus strand): 5'-TTCTTCTAGGAACTTCAGTTACAATCTGGACTAAAAGCCAATATAGAGGTCCAGGGTGGT[CTA>TT]GCTATTGATATTTCAGGTGCAATGGAGTTTAGCTTGTGGTATCGTGAGTCTAAAACCCGA-3'